The following is an entry in ClinVar:

NM_005045.4(RELN):c.6842C>G (p.Pro2281Arg)

Gene: RELN (reelin; minus strand). Cytogenetic location: 7q22.1.
Variant type: single nucleotide variant.
Coding change: c.6842C>G on transcript NM_005045.4 (MANE Select); coding-DNA position 6842, C replaced by G.
Protein change: p.Pro2281Arg; replaces proline 2281 with arginine.
Molecular consequence: missense variant.
Genome position (GRCh38, 1-based): chr7:103,540,285, G>C on the plus strand (C>G on the coding strand, the complement: RELN is on the minus strand). VCF-style: chr7-103540285-G-C. GRCh37 (hg19) VCF-style: chr7-103180732-G-C.
Other names: c.6842C>G, p.Pro2281Arg (NM_173054.3); short protein forms P2281R.
Identifiers: ClinVar variation 391657 (VCV000391657.3), dbSNP rs780950214, ClinGen allele CA16605192.

ClinVar aggregate classification (germline): Uncertain significance (1 of 4 stars; one submission).

gnomAD v4.1: 1 of 1,614,008 alleles (0.000062%); highest among the groups gnomAD compares: Non-Finnish European, 0.000085%; no homozygotes.

Submission:

GeneDx
Classification: Uncertain significance. Last evaluated: 2019-09-04. Review status: criteria provided, single submitter. Criteria: GeneDx Variant Classification Process June 2021. Collection method: clinical testing. Allele origin: germline. Affected: yes.
Comment: Not observed at a significant frequency in large population cohorts (Lek et al., 2016); In silico analysis, which includes protein predictors and evolutionary conservation, supports a deleterious effect; Has not been previously published as pathogenic or benign to our knowledge